The following is an entry in ClinVar:

ClinVar aggregate classification (germline): Uncertain significance (1 of 4 stars; one submission).

Conditions:
Mendelian susceptibility to mycobacterial diseases due to complete IL12RB1 deficiency. Also called: IL12RB1 DEFICIENCY; Immunodeficiency 30. Identifiers: Orphanet 319552, MedGen C4013949, MONDO:0013955, OMIM 614891.

Allele frequency attached by ClinVar (database versions not stated): gnomAD exomes below 0.00001; TOPMed below 0.00001.

Submission:

Labcorp Genetics (formerly Invitae), Labcorp
Classification: Uncertain significance for Mendelian susceptibility to mycobacterial diseases due to complete IL12RB1 deficiency. Last evaluated: 2022-12-06. Review status: criteria provided, single submitter. Criteria: Invitae Variant Classification Sherloc (09022015). Collection method: clinical testing. Allele origin: germline.
Comment: Advanced modeling of protein sequence and biophysical properties (such as structural, functional, and spatial information, amino acid conservation, physicochemical variation, residue mobility, and thermodynamic stability) performed at Invitae indicates that this missense variant is expected to disrupt IL12RB1 protein function. In summary, the available evidence is currently insufficient to determine the role of this variant in disease. Therefore, it has been classified as a Variant of Uncertain Significance. ClinVar contains an entry for this variant (Variation ID: 1431814). This variant has not been reported in the literature in individuals affected with IL12RB1-related conditions. This variant is present in population databases (no rsID available, gnomAD 0.0009%). This sequence change replaces threonine, which is neutral and polar, with isoleucine, which is neutral and non-polar, at codon 503 of the IL12RB1 protein (p.Thr503Ile).

NM_005535.3(IL12RB1):c.1508C>T (p.Thr503Ile)

Gene: IL12RB1 (interleukin 12 receptor subunit beta 1; minus strand). Cytogenetic location: 19p13.11.
Variant type: single nucleotide variant.
Coding change: c.1508C>T on transcript NM_005535.3 (MANE Select); coding-DNA position 1508, C replaced by T.
Protein change: p.Thr503Ile; replaces threonine 503 with isoleucine.
Molecular consequence: missense variant.
Genome position (GRCh38, 1-based): chr19:18,063,986, G>A on the plus strand (C>T on the coding strand, the complement: IL12RB1 is on the minus strand). VCF-style: chr19-18063986-G-A. GRCh37 (hg19) VCF-style: chr19-18174796-G-A.
Other names: c.1508C>T, p.Thr503Ile (NM_001290023.2); c.1628C>T, p.Thr543Ile (NM_001290024.2); short protein forms T503I, T543I.
Identifiers: ClinVar variation 1431814 (VCV001431814.6), dbSNP rs1160735739, ClinGen allele CA404776456.
Genomic context (GRCh38, chr19:18,063,986, plus strand): 5'-TCTGCTCGCACCTGCACCGTGTAGGCTACACCAGCCCGCAGGCCACTGAGGGTAACTTGG[G>A]TCTCTGTGGGCTGCACGGGATGCTCTGCAGTGGGAGAGGCAACCCTGAGTCCTGGGACCT-3'
Protein context (NP_005526.1, residues 493-513): VSEHPVQPTE[Thr503Ile]QVTLSGLRAG